The following is an entry in ClinVar:

NM_001144967.3(NEDD4L):c.2217G>A (p.Met739Ile)

Gene: NEDD4L (NEDD4 like E3 ubiquitin protein ligase; plus strand). Cytogenetic location: 18q21.31.
Variant type: single nucleotide variant.
Coding change: c.2217G>A on transcript NM_001144967.3 (MANE Select); coding-DNA position 2217, G replaced by A.
Protein change: p.Met739Ile; replaces methionine 739 with isoleucine.
Molecular consequence: missense variant.
Genome position (GRCh38, 1-based): chr18:58,370,428, G>A. VCF-style: chr18-58370428-G-A. GRCh37 (hg19) VCF-style: chr18-56037660-G-A.
Other names: c.1854G>A, p.Met618Ile (NM_001144964.1, NM_001144965.2, NM_001144966.3); c.2193G>A, p.Met731Ile (NM_001144968.2); c.2133G>A, p.Met711Ile (NM_001144969.2); c.1794G>A, p.Met598Ile (NM_001144970.3, NM_001144971.2); c.2025G>A, p.Met675Ile (NM_001243960.2); c.3054G>A, p.Met1018Ile (NM_001437337.1); c.2157G>A, p.Met719Ile (NM_015277.6); short protein forms M618I, M675I, M739I, M1018I, M598I, M711I, M731I, M719I.
Identifiers: ClinVar variation 4626020 (VCV004626020.2).

ClinVar aggregate classification (germline): Uncertain significance. Review status: criteria provided, multiple submitters, no conflicts (2 of 4 stars). 2 submissions from 2 submitters: Uncertain significance (2). Last evaluated 2025-12-17.

Conditions:
Inborn genetic diseases. Identifiers: MedGen C0950123, MeSH D030342.

gnomAD v4.1: 3 of 1,612,492 alleles (0.00019%); highest among the groups gnomAD compares: African/African-American, 0.004%; no homozygotes.

Submissions (2):

Labcorp Genetics (formerly Invitae), Labcorp
Classification: Uncertain significance. Last evaluated: 2025-12-17. Review status: criteria provided, single submitter. Criteria: Invitae Variant Classification Sherloc (09022015). Collection method: clinical testing. Allele origin: germline.
Comment: This sequence change replaces methionine, which is neutral and non-polar, with isoleucine, which is neutral and non-polar, at codon 719 of the NEDD4L protein (p.Met719Ile). The frequency data for this variant in the population databases is considered unreliable, as metrics indicate poor data quality at this position in the gnomAD database. This variant has not been reported in the literature in individuals affected with NEDD4L-related conditions. Invitae Evidence Modeling of protein sequence and biophysical properties (such as structural, functional, and spatial information, amino acid conservation, physicochemical variation, residue mobility, and thermodynamic stability) indicates that this missense variant is not expected to disrupt NEDD4L protein function with a negative predictive value of 80%. In summary, the available evidence is currently insufficient to determine the role of this variant in disease. Therefore, it has been classified as a Variant of Uncertain Significance.

Ambry Genetics
Classification: Uncertain significance for Inborn genetic diseases. Last evaluated: 2025-11-12. Review status: criteria provided, single submitter. Criteria: Ambry Variant Classification Scheme 2023. Collection method: clinical testing. Allele origin: germline.